The following is an entry in ClinVar:

ClinVar aggregate classification (germline): Likely benign (1 of 4 stars; one submission).

Submission:

CeGaT Center for Human Genetics Tuebingen
Classification: Likely benign. Last evaluated: 2025-10-01. Review status: criteria provided, single submitter. Criteria: CeGaT Center For Human Genetics Tuebingen Variant Classification Criteria Version 2. Collection method: clinical testing. Allele origin: germline. Affected: yes. Observed: 1 variant allele.
Comment: DPY19L4: BP4, BP7

NM_181787.3(DPY19L4):c.306T>C (p.Tyr102=)

Gene: DPY19L4 (dpy-19 like 4; plus strand). Cytogenetic location: 8q22.1.
Variant type: single nucleotide variant.
Coding change: c.306T>C on transcript NM_181787.3 (MANE Select); coding-DNA position 306, T replaced by C.
Protein change: p.Tyr102=; no amino-acid change (tyrosine 102 retained).
Molecular consequence: synonymous variant.
Genome position (GRCh38, 1-based): chr8:94,738,422, T>C. VCF-style: chr8-94738422-T-C. GRCh37 (hg19) VCF-style: chr8-95750650-T-C.
Identifiers: ClinVar variation 4534831 (VCV004534831.6).
Genomic context (GRCh38, chr8:94,738,422, plus strand): 5'-CTTTTAGGAGCTTGAACGGGAAATCACGTTTCAGGGTGACAGTGCCATTTATTACTCCTA[T>C]TATAAAGATATGTTAAAGGCACCTTCATTTGAAAGAGGTATGATAATCACAGTTATATTT-3'
Protein context (NP_861452.2, residues 92-112): FQGDSAIYYS[Tyr102=]YKDMLKAPSF